The following is an entry in ClinVar:

NM_001199138.2(NLRC4):c.1798G>T (p.Glu600Ter)

Gene: NLRC4 (NLR family CARD domain containing 4; minus strand). Cytogenetic location: 2p22.3.
Variant type: single nucleotide variant.
Coding change: c.1798G>T on transcript NM_001199138.2 (MANE Select); coding-DNA position 1798, G replaced by T.
Protein change: p.Glu600Ter; replaces glutamic acid 600 with a stop codon.
Molecular consequence: nonsense. On other transcripts: intron variant (1).
Genome position (GRCh38, 1-based): chr2:32,250,066, C>A on the plus strand (G>T on the coding strand, the complement: NLRC4 is on the minus strand). VCF-style: chr2-32250066-C-A. GRCh37 (hg19) VCF-style: chr2-32475135-C-A.
Other names: c.1798G>T, p.Glu600Ter (NM_001199139.2, NM_021209.5); c.262+2353G>T (NM_001302504.1); short protein forms E600*.
Identifiers: ClinVar variation 2434377 (VCV002434377.7), dbSNP rs1291753489, ClinGen allele CA346511673.

ClinVar aggregate classification (germline): Uncertain significance. Review status: criteria provided, multiple submitters, no conflicts (2 of 4 stars). 3 submissions from 3 submitters: Uncertain significance (3). Last evaluated 2025-05-18.

Conditions:
Periodic fever-infantile enterocolitis-autoinflammatory syndrome. Also called: Autoinflammation with infantile enterocolitis. Identifiers: Orphanet 436166, MedGen C4015067, MONDO:0014472, OMIM 616050.
Familial cold autoinflammatory syndrome 4 (FCAS4). Identifiers: Orphanet 47045, Orphanet 576349, MedGen C4015276, MONDO:0014498, OMIM 616115.

Allele frequency attached by ClinVar (database versions not stated): gnomAD exomes 0.00001; TOPMed below 0.00001.
gnomAD v4.1: 6 of 1,614,090 alleles (0.00037%); highest among the groups gnomAD compares: Non-Finnish European, 0.00051%; no homozygotes.

Submissions (3):

Labcorp Genetics (formerly Invitae), Labcorp
Classification: Uncertain significance for Periodic fever-infantile enterocolitis-autoinflammatory syndrome; Familial cold autoinflammatory syndrome 4. Last evaluated: 2025-05-18. Review status: criteria provided, single submitter. Criteria: Invitae Variant Classification Sherloc (09022015). Collection method: clinical testing. Allele origin: germline.
Comment: This sequence change creates a premature translational stop signal (p.Glu600*) in the NLRC4 gene. It is expected to result in an absent or disrupted protein product. However, the current clinical and genetic evidence is not sufficient to establish whether loss-of-function variants in NLRC4 cause disease. This variant is present in population databases (no rsID available, gnomAD 0.002%). This variant has not been reported in the literature in individuals affected with NLRC4-related conditions. ClinVar contains an entry for this variant (Variation ID: 2434377). Algorithms developed to predict the effect of sequence changes on RNA splicing suggest that this variant may create or strengthen a splice site. In summary, the available evidence is currently insufficient to determine the role of this variant in disease. Therefore, it has been classified as a Variant of Uncertain Significance.

Revvity Omics, Revvity
Classification: Uncertain significance. Last evaluated: 2021-07-02. Review status: criteria provided, single submitter. Criteria: ACMG Guidelines, 2015. Collection method: clinical testing. Allele origin: germline.

Blueprint Genetics
Classification: Uncertain significance. Last evaluated: 2021-02-19. Review status: criteria provided, single submitter. Criteria: ACMG Guidelines, 2015. Collection method: clinical testing. Allele origin: germline.